The following is an entry in ClinVar:

NM_001408.3(CELSR2):c.5900A>G (p.Asn1967Ser)

Gene: CELSR2 (cadherin EGF LAG seven-pass G-type receptor 2; plus strand). Cytogenetic location: 1p13.3.
Variant type: single nucleotide variant.
Coding change: c.5900A>G on transcript NM_001408.3 (MANE Select); coding-DNA position 5900, A replaced by G.
Protein change: p.Asn1967Ser; replaces asparagine 1967 with serine.
Molecular consequence: missense variant.
Genome position (GRCh38, 1-based): chr1:109,265,907, A>G. VCF-style: chr1-109265907-A-G. GRCh37 (hg19) VCF-style: chr1-109808529-A-G.
Other names: short protein forms N1967S.
Identifiers: ClinVar variation 4697061 (VCV004697061.1).

ClinVar aggregate classification (germline): Uncertain significance (1 of 4 stars; one submission).

gnomAD v4.1: 18 of 1,611,892 alleles (0.0011%); highest among the groups gnomAD compares: Non-Finnish European, 0.0014%; no homozygotes.

Submission:

Labcorp Genetics (formerly Invitae), Labcorp
Classification: Uncertain significance. Last evaluated: 2025-09-23. Review status: criteria provided, single submitter. Criteria: Invitae Variant Classification Sherloc (09022015). Collection method: clinical testing. Allele origin: germline.
Comment: This sequence change replaces asparagine, which is neutral and polar, with serine, which is neutral and polar, at codon 1967 of the CELSR2 protein (p.Asn1967Ser). This variant is present in population databases (rs372827419, gnomAD 0.004%). This variant has not been reported in the literature in individuals affected with CELSR2-related conditions. Invitae Evidence Modeling of protein sequence and biophysical properties (such as structural, functional, and spatial information, amino acid conservation, physicochemical variation, residue mobility, and thermodynamic stability) indicates that this missense variant is not expected to disrupt CELSR2 protein function with a negative predictive value of 80%. In summary, the available evidence is currently insufficient to determine the role of this variant in disease. Therefore, it has been classified as a Variant of Uncertain Significance.